The following is an entry in ClinVar:

ClinVar aggregate classification (germline): Uncertain significance. Review status: criteria provided, multiple submitters, no conflicts (2 of 4 stars). 3 submissions from 3 submitters: Uncertain significance (2). 1 of the submissions does not count toward it. Last evaluated 2024-04-27.

Conditions:
Sucrase-isomaltase deficiency (CSID). Also called: Deficiency of isomaltase; Congenital sucrose isomaltose malabsorption; Sucrose isomaltose enzyme deficiency; SI DEFICIENCY. Identifiers: Orphanet 35122, MedGen C1283620, MONDO:0009114, OMIM 222900.

Allele frequency attached by ClinVar (database versions not stated): ExAC 0.00002; gnomAD 0.00002; gnomAD exomes 0.00002 and 0.00003; TOPMed 0.00002.
gnomAD v4.1: 40 of 1,612,368 alleles (0.0025%); highest among the groups gnomAD compares: Non-Finnish European, 0.0034%; no homozygotes.

Submissions (3):

Fulgent Genetics
Classification: Uncertain significance for Sucrase-isomaltase deficiency. Last evaluated: 2024-04-27. Review status: criteria provided, single submitter. Criteria: ACMG Guidelines, 2015. Collection method: clinical testing. Allele origin: germline.

Labcorp Genetics (formerly Invitae), Labcorp
Classification: Uncertain significance. Last evaluated: 2022-07-19. Review status: criteria provided, single submitter. Criteria: Invitae Variant Classification Sherloc (09022015). Collection method: clinical testing. Allele origin: germline.
Comment: This sequence change replaces glutamine, which is neutral and polar, with proline, which is neutral and non-polar, at codon 1098 of the SI protein (p.Gln1098Pro). This variant is present in population databases (rs121912611, gnomAD 0.004%). This variant has not been reported in the literature in individuals affected with SI-related conditions. ClinVar contains an entry for this variant (Variation ID: 1412). Advanced modeling of protein sequence and biophysical properties (such as structural, functional, and spatial information, amino acid conservation, physicochemical variation, residue mobility, and thermodynamic stability) performed at Invitae indicates that this missense variant is expected to disrupt SI protein function. Experimental studies have shown that this missense change affects SI function (PMID: 8609217, 9092938, 12624106, 15944403). In summary, the available evidence is currently insufficient to determine the role of this variant in disease. Therefore, it has been classified as a Variant of Uncertain Significance.

OMIM
Classification: Pathogenic for SUCRASE-ISOMALTASE DEFICIENCY, CONGENITAL. Last evaluated: 1996-02-01. Review status: no assertion criteria provided. Collection method: literature only. Allele origin: germline. Not counted in ClinVar's aggregate classification.

Literature cited by the submitters: PubMed 8609217 (cited by Labcorp Genetics (formerly Invitae), Labcorp); PubMed 9092938 (cited by Labcorp Genetics (formerly Invitae), Labcorp); PubMed 12624106 (cited by Labcorp Genetics (formerly Invitae), Labcorp); PubMed 15944403 (cited by Labcorp Genetics (formerly Invitae), Labcorp); Ouwendijk, J., Moolenaar, C. E. C., Peters, W. J., Hollenberg, C. P., Ginsel, L. A., Fransen, J. A. M., Naim, H. Y. Congenital sucrase-isomaltase deficiency: identification of a glutamine to proline substitution that leads to a transport block of sucrase-isomaltase in a pre-Golgi compartment. J. Clin. Invest. 97: 633-641, 1996. (cited by OMIM).

NM_001041.4(SI):c.3293A>C (p.Gln1098Pro)

Gene: SI (sucrase-isomaltase; minus strand). Cytogenetic location: 3q26.1.
Variant type: single nucleotide variant.
Coding change: c.3293A>C on transcript NM_001041.4 (MANE Select); coding-DNA position 3293, A replaced by C.
Protein change: p.Gln1098Pro; replaces glutamine 1098 with proline.
Molecular consequence: missense variant.
Genome position (GRCh38, 1-based): chr3:165,019,732, T>G on the plus strand (A>C on the coding strand, the complement: SI is on the minus strand). VCF-style: chr3-165019732-T-G. GRCh37 (hg19) VCF-style: chr3-164737520-T-G.
Other names: short protein forms Q1098P.
Identifiers: ClinVar variation 1412 (VCV000001412.5), dbSNP rs121912611, ClinGen allele CA114999.
Genomic context (GRCh38, chr3:165,019,732, plus strand): 5'-TCCACTTCCCCAAAACCATATATATATTCTGATGGCAGGCGAGTCGATATTTGAATGAAC[T>G]GGTCATTAAAAGCAAATCCAGGCAGCCAAGAATCCCAACTGAAAACAAAAGAAAACAAAG-3'
Protein context (NP_001032.2, residues 1088-1108): SWLPGFAFND[Gln1098Pro]FIQISTRLPS